The following is an entry in ClinVar:

ClinVar aggregate classification (germline): Uncertain significance. Review status: criteria provided, multiple submitters, no conflicts (2 of 4 stars). 2 submissions from 2 submitters: Uncertain significance (2). Last evaluated 2024-02-07.

Conditions:
Usher syndrome type 3B. Also called: USHER SYNDROME, TYPE IIIB. Identifiers: MedGen C3281066, MONDO:0013788, OMIM 614504.

Allele frequency attached by ClinVar (database versions not stated): gnomAD 0.00001; gnomAD exomes 0.00001 and 0.00002; TOPMed 0.00001; ExAC 0.00003.

Submissions (2):

Labcorp Genetics (formerly Invitae), Labcorp
Classification: Uncertain significance for Usher syndrome type 3B. Last evaluated: 2024-02-07. Review status: criteria provided, single submitter. Criteria: Invitae Variant Classification Sherloc (09022015). Collection method: clinical testing. Allele origin: germline.
Comment: This sequence change creates a premature translational stop signal (p.Leu322Argfs*13) in the HARS gene. It is expected to result in an absent or disrupted protein product. However, the current clinical and genetic evidence is not sufficient to establish whether loss-of-function variants in HARS cause disease. This variant is present in population databases (rs774824253, gnomAD 0.004%). This variant has not been reported in the literature in individuals affected with HARS-related conditions. ClinVar contains an entry for this variant (Variation ID: 1680313). In summary, the available evidence is currently insufficient to determine the role of this variant in disease. Therefore, it has been classified as a Variant of Uncertain Significance.

Blueprint Genetics
Classification: Uncertain significance. Last evaluated: 2019-05-22. Review status: criteria provided, single submitter. Criteria: ACMG Guidelines, 2015. Collection method: clinical testing. Allele origin: germline.

NM_002109.6(HARS1):c.965del (p.Leu322fs)

Gene: HARS1 (histidyl-tRNA synthetase 1; minus strand). Cytogenetic location: 5q31.3.
Variant type: Deletion.
Coding change: c.965del on transcript NM_002109.6 (MANE Select); coding-DNA position 965, one base deleted (T; older notation c.965delT).
Protein change: p.Leu322fs; shifts the reading frame from leucine 322.
Molecular consequence: frameshift variant.
Genome position (GRCh38, 1-based): chr5:140,676,883, A deleted on the plus strand (T on the coding strand, the reverse complement: HARS1 is on the minus strand). VCF-style (leftmost placement, unchanged base first): chr5-140676882-CA-C. GRCh37 (hg19) VCF-style: chr5-140056467-CA-C.
Other names: c.845del, p.Leu282fs (NM_001258040.3); c.905del, p.Leu302fs (NM_001258041.3); c.785del, p.Leu262fs (NM_001258042.3); c.743del, p.Leu248fs (NM_001289092.2); c.623del, p.Leu208fs (NM_001289093.2); c.878del, p.Leu293fs (NM_001289094.2); short protein forms L208fs, L248fs, L262fs, L282fs, L293fs, L302fs, L322fs.
Identifiers: ClinVar variation 1680313 (VCV001680313.7), dbSNP rs774824253, ClinGen allele CA3443947.